The following is an entry in ClinVar:

ClinVar aggregate classification (germline): Conflicting classifications of pathogenicity. Review status: criteria provided, conflicting classifications (1 of 4 stars). 6 submissions from 6 submitters: Uncertain significance (5); Likely benign (1). Last evaluated 2026-09-29.

Conditions:
Hereditary cancer-predisposing syndrome. Also called: Neoplastic Syndromes, Hereditary; Hereditary Cancer Syndrome; Hereditary neoplastic syndrome; Tumor predisposition. Identifiers: Orphanet 140162, MedGen C0027672, MeSH D009386, MONDO:0015356.
Cardiovascular phenotype. Identifiers: MedGen CN230736.
Noonan syndrome 10 (NS10). Identifiers: Orphanet 648, MedGen C4225280, MONDO:0014693, OMIM 616564.
Noonan syndrome 2 (NS2). Identifiers: Orphanet 648, MedGen C1854469, MONDO:0011531, OMIM 605275.
LZTR1-related schwannomatosis. Also called: Schwannomatosis 2; Schwannomatosis-2, susceptibility to. Identifiers: Orphanet 93921, MedGen C3810283, MONDO:0014299, OMIM 615670.

Allele frequency attached by ClinVar (database versions not stated): gnomAD 0.00025 and 0.00024; TOPMed 0.00035; ESP Exome Variant Server 0.00038; 1000 Genomes Project 30x 0.00031; 1000 Genomes Project 0.00040.
gnomAD v4.1: 83 of 1,606,448 alleles (0.0052%); highest among the groups gnomAD compares: African/African-American, 0.088%; no homozygotes.

Submissions (6):

GeneDx
Classification: Uncertain significance. Last evaluated: 2026-09-29. Review status: criteria provided, single submitter. Criteria: GeneDx Variant Classification Process June 2021. Collection method: clinical testing. Allele origin: germline.
Comment: Identified in a patient with Noonan syndrome who also harbored a variant in the SOS2 gene in published literature (PMID: 25795793); In silico analysis supports that this missense variant does not alter protein structure/function; This variant is associated with the following publications: (PMID: 25795793)

Labcorp Genetics (formerly Invitae), Labcorp
Classification: Uncertain significance. Last evaluated: 2026-01-31. Review status: criteria provided, single submitter. Criteria: Invitae Variant Classification Sherloc (09022015). Collection method: clinical testing. Allele origin: germline.
Comment: This sequence change replaces isoleucine, which is neutral and non-polar, with valine, which is neutral and non-polar, at codon 647 of the LZTR1 protein (p.Ile647Val). This variant is present in population databases (rs148916790, gnomAD 0.1%). This missense change has been observed in individual(s) with clinical diagnosis of Noonan syndrome (PMID: 25795793). ClinVar contains an entry for this variant (Variation ID: 928950). Invitae Evidence Modeling of protein sequence and biophysical properties (such as structural, functional, and spatial information, amino acid conservation, physicochemical variation, residue mobility, and thermodynamic stability) indicates that this missense variant is not expected to disrupt LZTR1 protein function with a negative predictive value of 80%. In summary, the available evidence is currently insufficient to determine the role of this variant in disease. Therefore, it has been classified as a Variant of Uncertain Significance.

Clinical Genomics Laboratory, Washington University in St. Louis
Classification: Uncertain significance for LZTR1-related schwannomatosis; Noonan syndrome 10; Noonan syndrome 2. Last evaluated: 2025-08-18. Review status: criteria provided, single submitter. Criteria: ACMG Guidelines, 2015. Collection method: clinical testing. Allele origin: germline.
Comment: An LZTR1 c.1939A>G (p.Ile647Val) variant was identified at a near heterozygous allelic fraction of 46.6%, a frequency which may be consistent with it being of germline origin. The LZTR1 c.1939A>G (p.Ile647Val) variant has been reported in one individual affected with Noonan syndrome (Yamamoto G et al., PMID: 25795793). This variant has been reported in the ClinVar database as a germline variant of uncertain significance by four submitters (ClinVar Variation ID: 928950). It is observed in 83/1,606,448 alleles in the general population (gnomAD v4.1.0). Computational predictors suggest that the variant does not impact LZTR1 function. Due to limited information, and based on ACMG/AMP guidelines for variant interpretation (Richards S et al., PMID: 25741868), the clinical significance of this variant is uncertain at this time.

Women's Health and Genetics/Laboratory Corporation of America, LabCorp
Classification: Uncertain significance. Last evaluated: 2025-03-21. Review status: criteria provided, single submitter. Criteria: LabCorp Variant Classification Summary - May 2015. Collection method: clinical testing. Allele origin: germline.
Comment: Variant summary: LZTR1 c.1939A>G (p.Ile647Val) results in a conservative amino acid change in the encoded protein sequence. Three of four in-silico tools predict a benign effect of the variant on protein function. The variant allele was found at a frequency of 9e-05 in 245424 control chromosomes, predominantly at a frequency of 0.0011 within the African or African-American subpopulation in the gnomAD database. This frequency is not significantly higher than estimated for a pathogenic variant in LZTR1 causing Noonan Syndrome 2 (9e-05 vs 0.0032), allowing no conclusion about variant significance. c.1939A>G has been reported in the literature in individuals affected with Noonan Syndrome (Yamamoto_2015). These report(s) do not provide unequivocal conclusions about association of the variant with Noonan Syndrome 2. To our knowledge, no experimental evidence demonstrating an impact on protein function has been reported. The following publication has been ascertained in the context of this evaluation (PMID: 25795793). ClinVar contains an entry for this variant (Variation ID: 928950). Based on the evidence outlined above, the variant was classified as uncertain significance.

Baylor Genetics
Classification: Uncertain significance for LZTR1-related schwannomatosis. Last evaluated: 2024-03-29. Review status: criteria provided, single submitter. Criteria: ACMG Guidelines, 2015. Collection method: clinical testing. Allele origin: unknown.

Ambry Genetics
Classification: Likely benign for Cardiovascular phenotype; Hereditary cancer-predisposing syndrome. Last evaluated: 2020-08-17. Review status: criteria provided, single submitter. Criteria: Ambry Variant Classification Scheme 2023. Collection method: clinical testing. Allele origin: germline.

Literature cited by the submitters: PubMed 25795793 (cited by Labcorp Genetics (formerly Invitae), Labcorp and Women's Health and Genetics/Laboratory Corporation of America, LabCorp).

NM_006767.4(LZTR1):c.1939A>G (p.Ile647Val)

Gene: LZTR1 (leucine zipper like post translational regulator 1; plus strand). Cytogenetic location: 22q11.21.
Variant type: single nucleotide variant.
Coding change: c.1939A>G on transcript NM_006767.4 (MANE Select); coding-DNA position 1939, A replaced by G.
Protein change: p.Ile647Val; replaces isoleucine 647 with valine.
Molecular consequence: missense variant.
Genome position (GRCh38, 1-based): chr22:20,995,023, A>G. VCF-style: chr22-20995023-A-G. GRCh37 (hg19) VCF-style: chr22-21349312-A-G.
Other names: short protein forms I647V.
Identifiers: ClinVar variation 928950 (VCV000928950.18), dbSNP rs148916790, ClinGen allele CA10119107.
Genomic context (GRCh38, chr22:20,995,023, plus strand): 5'-GAGATTGTGCGGCGGAAGCAGCAGCCGCCCCCTCGCACTCCCTTGGACCAGCCAGTGGAC[A>G]TTGGTAGGGAGCCCCGTTCCCCTTCCCTGGGGGCTGGGAGGGATGGTGTTCATCTGCGGT-3'
Protein context (NP_006758.2, residues 637-657): PRTPLDQPVD[Ile647Val]GTSLIQDMKA